The following is an entry in ClinVar:

NM_004113.6(FGF12):c.228A>G (p.Ser76=)

Gene: FGF12 (fibroblast growth factor 12; minus strand). Cytogenetic location: 3q28.
Variant type: single nucleotide variant.
Coding change: c.228A>G on transcript NM_004113.6 (MANE Select); coding-DNA position 228, A replaced by G.
Protein change: p.Ser76=; no amino-acid change (serine 76 retained).
Molecular consequence: synonymous variant.
Genome position (GRCh38, 1-based): chr3:192,335,361, T>C on the plus strand (A>G on the coding strand, the complement: FGF12 is on the minus strand). VCF-style: chr3-192335361-T-C. GRCh37 (hg19) VCF-style: chr3-192053150-T-C.
Other names: c.117A>G, p.Ser39= (NM_001377292.1); c.156A>G, p.Ser52= (NM_001377293.1, NM_001377294.1); c.414A>G, p.Ser138= (NM_021032.5).
Identifiers: ClinVar variation 1012711 (VCV001012711.45), dbSNP rs200576975, ClinGen allele CA2755793.

ClinVar aggregate classification (germline): Benign/Likely benign. Review status: criteria provided, multiple submitters, no conflicts (2 of 4 stars). 3 submissions from 3 submitters: Benign (1); Likely benign (2). Last evaluated 2025-12-13.

Allele frequency attached by ClinVar (database versions not stated): TOPMed 0.00003; gnomAD 0.00004; gnomAD exomes 0.00005; ExAC 0.00006.
gnomAD v4.1: 71 of 1,600,096 alleles (0.0044%); highest among the groups gnomAD compares: Middle Eastern, 0.05%; no homozygotes.

Submissions (3):

Labcorp Genetics (formerly Invitae), Labcorp
Classification: Benign. Last evaluated: 2025-12-13. Review status: criteria provided, single submitter. Criteria: Invitae Variant Classification Sherloc (09022015). Collection method: clinical testing. Allele origin: germline.

CeGaT Center for Human Genetics Tuebingen
Classification: Likely benign. Last evaluated: 2024-05-01. Review status: criteria provided, single submitter. Criteria: CeGaT Center For Human Genetics Tuebingen Variant Classification Criteria Version 2. Collection method: clinical testing. Allele origin: germline. Affected: yes. Observed: 2 variant alleles.
Comment: FGF12: BP4, BP7

Blueprint Genetics
Classification: Likely benign. Last evaluated: 2023-07-21. Review status: criteria provided, single submitter. Criteria: ACMG Guidelines, 2015. Collection method: clinical testing. Allele origin: germline.